The following is an entry in ClinVar:

ClinVar aggregate classification (germline): Likely benign (1 of 4 stars; one submission).

Allele frequency attached by ClinVar (database versions not stated): ExAC 0.00002; gnomAD exomes 0.00003.

Submission:

CeGaT Center for Human Genetics Tuebingen
Classification: Likely benign. Last evaluated: 2022-07-01. Review status: criteria provided, single submitter. Criteria: CeGaT Center For Human Genetics Tuebingen Variant Classification Criteria Version 2. Collection method: clinical testing. Allele origin: germline. Affected: yes. Observed: 1 variant allele.
Comment: ZC3H18: BP4, BP7

NM_144604.4(ZC3H18):c.1824G>A (p.Pro608=)

Gene: ZC3H18 (zinc finger CCCH-type containing 18; plus strand). Cytogenetic location: 16q24.2.
Variant type: single nucleotide variant.
Coding change: c.1824G>A on transcript NM_144604.4 (MANE Select); coding-DNA position 1824, G replaced by A.
Protein change: p.Pro608=; no amino-acid change (proline 608 retained).
Molecular consequence: synonymous variant.
Genome position (GRCh38, 1-based): chr16:88,623,988, G>A. VCF-style: chr16-88623988-G-A. GRCh37 (hg19) VCF-style: chr16-88690396-G-A.
Other names: c.1896G>A, p.Pro632= (NM_001294340.2).
Identifiers: ClinVar variation 2646980 (VCV002646980.24), dbSNP rs759377088, ClinGen allele CA8227406.